The following is an entry in ClinVar:

NM_001127255.2(NLRP7):c.1104T>C (p.Ile368=)

Gene: NLRP7 (NLR family pyrin domain containing 7; minus strand). Cytogenetic location: 19q13.42.
Variant type: single nucleotide variant.
Coding change: c.1104T>C on transcript NM_001127255.2 (MANE Select); coding-DNA position 1104, T replaced by C.
Protein change: p.Ile368=; no amino-acid change (isoleucine 368 retained).
Molecular consequence: synonymous variant.
Genome position (GRCh38, 1-based): chr19:54,939,715, A>G on the plus strand (T>C on the coding strand, the complement: NLRP7 is on the minus strand). VCF-style: chr19-54939715-A-G. GRCh37 (hg19) VCF-style: chr19-55451083-A-G.
Other names: c.1104T>C, p.Ile368= (NM_001405531.1, NM_139176.4, NM_206828.4).
Identifiers: ClinVar variation 330174 (VCV000330174.8), dbSNP rs1654636, ClinGen allele CA310018568.

ClinVar aggregate classification (germline): Likely benign. Review status: criteria provided, multiple submitters, no conflicts (2 of 4 stars). 2 submissions from 2 submitters: Likely benign (2). Last evaluated 2018-01-13.

Conditions:
Hydatidiform mole, recurrent, 1 (HYDM1). Identifiers: Orphanet 254688, Orphanet 99927, MedGen C3463897, MONDO:0009273, OMIM 231090. Disease mechanism: loss of function.

Allele frequency attached by ClinVar (database versions not stated): 1000 Genomes Project 0.02456; 1000 Genomes Project 30x 0.03310; TOPMed 0.03175.
gnomAD v4.1: 17,699 of 1,599,546 alleles (1.1%); highest among the groups gnomAD compares: African/African-American, 6.3%; 333 homozygotes.

Submissions (2):

Illumina Laboratory Services, Illumina
Classification: Likely benign for Hydatidiform mole, recurrent, 1. Last evaluated: 2018-01-13. Review status: criteria provided, single submitter. Criteria: ICSL Variant Classification Criteria 13 December 2019. Collection method: clinical testing. Allele origin: germline.
Comment: This variant was observed in the ICSL laboratory as part of a predisposition screen in an ostensibly healthy population. It had not been previously curated by ICSL or reported in the Human Gene Mutation Database (HGMD: prior to June 1st, 2018), and was therefore a candidate for classification through an automated scoring system. Utilizing variant allele frequency, disease prevalence and penetrance estimates, and inheritance mode, an automated score was calculated to assess if this variant is too frequent to cause the disease. Based on the score and internal cut-off values, a variant classified as likely benign is not then subjected to further curation. The score for this variant resulted in a classification of likely benign for this disease.

Breakthrough Genomics
Classification: Likely benign. Review status: criteria provided, single submitter. Criteria: ACMG Guidelines, 2015. Collection method: not provided. Allele origin: germline. Inheritance: Autosomal recessive inheritance. Affected: yes.